The following is an entry in ClinVar:

ClinVar aggregate classification (germline): Uncertain significance (1 of 4 stars; one submission).

Conditions:
Fanconi anemia (FA). Also called: Fanconi's anemia. Identifiers: Orphanet 84, MedGen C0015625, MeSH D005199, MONDO:0019391.

Allele frequency attached by ClinVar (database versions not stated): TOPMed below 0.00001; gnomAD exomes 0.00001.
gnomAD v4.1: 3 of 1,614,166 alleles (0.00019%); highest among the groups gnomAD compares: Middle Eastern, 0.017%; no homozygotes.

Submission:

Labcorp Genetics (formerly Invitae), Labcorp
Classification: Uncertain significance for Fanconi anemia. Last evaluated: 2023-01-02. Review status: criteria provided, single submitter. Criteria: Invitae Variant Classification Sherloc (09022015). Collection method: clinical testing. Allele origin: germline.
Comment: In summary, the available evidence is currently insufficient to determine the role of this variant in disease. Therefore, it has been classified as a Variant of Uncertain Significance. Algorithms developed to predict the effect of sequence changes on RNA splicing suggest that this variant may create or strengthen a splice site. This variant has not been reported in the literature in individuals affected with FANCG-related conditions. This variant is present in population databases (no rsID available, gnomAD 0.003%). This sequence change affects codon 326 of the FANCG mRNA. It is a 'silent' change, meaning that it does not change the encoded amino acid sequence of the FANCG protein.

NM_004629.2(FANCG):c.978A>G (p.Glu326=)

Gene: FANCG (FA complementation group G; minus strand). Cytogenetic location: 9p13.3.
Variant type: single nucleotide variant.
Coding change: c.978A>G on transcript NM_004629.2 (MANE Select); coding-DNA position 978, A replaced by G.
Protein change: p.Glu326=; no amino-acid change (glutamic acid 326 retained).
Molecular consequence: synonymous variant.
Genome position (GRCh38, 1-based): chr9:35,076,530, T>C on the plus strand (A>G on the coding strand, the complement: FANCG is on the minus strand). VCF-style: chr9-35076530-T-C. GRCh37 (hg19) VCF-style: chr9-35076527-T-C.
Identifiers: ClinVar variation 2968935 (VCV002968935.3), dbSNP rs1472063855, ClinGen allele CA464415487.
Genomic context (GRCh38, chr9:35,076,530, plus strand): 5'-GGTCTGGCTCTGAGTGCCACAATGAAGGGGTGAGGCTAGGTCAGGTGGTGGCAGTAGTAA[T>C]TCTACCTCAATGAGAAACTGCGGGGCTTTGGAACTGCATGGGACATTCAAGGCCTAAAAG-3'
Protein context (NP_004620.1, residues 316-336): SKAPQFLIEV[Glu326=]LLLPPPDLAS